The following is an entry in ClinVar:

NM_007294.4(BRCA1):c.800C>A (p.Ser267Ter)

Gene: BRCA1 (BRCA1 DNA repair associated; minus strand). Cytogenetic location: 17q21.31.
Variant type: single nucleotide variant.
Coding change: c.800C>A on transcript NM_007294.4 (MANE Select); coding-DNA position 800, C replaced by A.
Protein change: p.Ser267Ter; replaces serine 267 with a stop codon.
Molecular consequence: nonsense. On other transcripts: 5 prime UTR variant (2), intron variant (137).
Genome position (GRCh38, 1-based): chr17:43,094,731, G>T on the plus strand (C>A on the coding strand, the complement: BRCA1 is on the minus strand). VCF-style: chr17-43094731-G-T. GRCh37 (hg19) VCF-style: chr17-41246748-G-T.
Other names: c.587C>A, p.Ser196Ter (NM_001407571.1, NM_001407915.1, NM_001407916.1 and 9 more transcripts); c.800C>A, p.Ser267Ter (NM_001407581.1, NM_001407582.1, NM_001407583.1 and 30 more transcripts); c.797C>A, p.Ser266Ter (NM_001407587.1, NM_001407590.1, NM_001407591.1 and 22 more transcripts); c.722C>A, p.Ser241Ter (NM_001407654.1, NM_001407655.1, NM_001407656.1 and 4 more transcripts); c.719C>A, p.Ser240Ter (NM_001407659.1, NM_001407660.1, NM_001407661.1 and 1 more transcripts); c.674C>A, p.Ser225Ter (NM_001407673.1, NM_001407649.1, NM_001407670.1 and 11 more transcripts); c.677C>A, p.Ser226Ter (NM_001407674.1, NM_001407675.1, NM_001407676.1 and 19 more transcripts); c.659C>A, p.Ser220Ter (NM_001407692.1, NM_001407694.1, NM_001407695.1 and 29 more transcripts); and 40 more; short protein forms S267*, S220*, S139*, S178*, S179*, S196*, S225*, S264*.
Identifiers: ClinVar variation 431201 (VCV000431201.2), dbSNP rs80357392, ClinGen allele CA10600482.

ClinVar aggregate classification (germline): Pathogenic. Review status: reviewed by expert panel (3 of 4 stars). 2 submissions from 2 submitters: Pathogenic (1). 1 of the submissions does not count toward it. Last evaluated 2017-12-15.

Conditions:
Hereditary breast ovarian cancer syndrome. Also called: Hereditary breast and ovarian cancer syndrome (HBOC); BRCA1- and BRCA2-Associated Hereditary Breast and Ovarian Cancer; Hereditary breast and/or ovarian cancer syndrome; Hereditary breast and ovarian cancer syndrome; Hereditary breast and ovarian cancer; Breast and ovarian cancer. Identifiers: Orphanet 145, MedGen C0677776, MeSH D061325, MONDO:0003582. Disease mechanism: loss of function.
Breast-ovarian cancer, familial, susceptibility to, 1 (BROVCA1). Also called: BRCA1 Hereditary Breast and Ovarian Cancer; OVARIAN CANCER, SUSCEPTIBILITY TO. Identifiers: Orphanet 145, MedGen C2676676, MONDO:0011450, OMIM 604370. Disease mechanism: loss of function.

Submissions (2):

Evidence-based Network for the Interpretation of Germline Mutant Alleles (ENIGMA)
Classification: Pathogenic for Breast-ovarian cancer, familial, susceptibility to, 1. Last evaluated: 2017-12-15. Review status: reviewed by expert panel. Criteria: ENIGMA BRCA1/2 Classification Criteria (2017-06-29). Collection method: curation. Allele origin: germline. Study: ENIGMA.
Comment: Variant allele predicted to encode a truncated non-functional protein.

Research Molecular Genetics Laboratory, Women's College Hospital, University of Toronto
Classification: Pathogenic for Hereditary breast ovarian cancer syndrome. Last evaluated: 2014-01-31. Review status: no assertion criteria provided. Collection method: research. Allele origin: germline. Affected: yes. Study: The Canadian Open Genetics Repository (COGR). Not counted in ClinVar's aggregate classification.